The following is an entry in ClinVar:

ClinVar aggregate classification (germline): Uncertain significance (1 of 4 stars; one submission).

Allele frequency attached by ClinVar (database versions not stated): TOPMed below 0.00001.
gnomAD v4.1: 6 of 1,607,308 alleles (0.00037%); highest among the groups gnomAD compares: Non-Finnish European, 0.00051%; no homozygotes.

Submission:

Labcorp Genetics (formerly Invitae), Labcorp
Classification: Uncertain significance. Last evaluated: 2022-02-20. Review status: criteria provided, single submitter. Criteria: Invitae Variant Classification Sherloc (09022015). Collection method: clinical testing. Allele origin: germline.
Comment: This sequence change replaces threonine, which is neutral and polar, with methionine, which is neutral and non-polar, at codon 61 of the CNGB3 protein (p.Thr61Met). This variant is not present in population databases (gnomAD no frequency). This variant has not been reported in the literature in individuals affected with CNGB3-related conditions. Advanced modeling of protein sequence and biophysical properties (such as structural, functional, and spatial information, amino acid conservation, physicochemical variation, residue mobility, and thermodynamic stability) performed at Invitae indicates that this missense variant is not expected to disrupt CNGB3 protein function. In summary, the available evidence is currently insufficient to determine the role of this variant in disease. Therefore, it has been classified as a Variant of Uncertain Significance.

NM_019098.5(CNGB3):c.182C>T (p.Thr61Met)

Gene: CNGB3 (cyclic nucleotide gated channel subunit beta 3; minus strand). Cytogenetic location: 8q21.3.
Variant type: single nucleotide variant.
Coding change: c.182C>T on transcript NM_019098.5 (MANE Select); coding-DNA position 182, C replaced by T.
Protein change: p.Thr61Met; replaces threonine 61 with methionine.
Molecular consequence: missense variant.
Genome position (GRCh38, 1-based): chr8:86,739,684, G>A on the plus strand (C>T on the coding strand, the complement: CNGB3 is on the minus strand). VCF-style: chr8-86739684-G-A. GRCh37 (hg19) VCF-style: chr8-87751912-G-A.
Other names: short protein forms T61M.
Identifiers: ClinVar variation 2148199 (VCV002148199.1), dbSNP rs745546656, ClinGen allele CA371456700.